The following is an entry in ClinVar:

ClinVar aggregate classification (germline): Uncertain significance (1 of 4 stars; one submission).

Conditions:
Neurofibromatosis, type 1 (NF1). Also called: Neurofibromatosis, type I; VON RECKLINGHAUSEN DISEASE; Peripheral type neurofibromatosis; NEUROFIBROMATOSIS, TYPE I, SOMATIC. Identifiers: Orphanet 636, MedGen C0027831, MONDO:0018975, OMIM 162200. Disease mechanism: loss of function.

Submission:

Labcorp Genetics (formerly Invitae), Labcorp
Classification: Uncertain significance for Neurofibromatosis, type 1. Last evaluated: 2021-08-31. Review status: criteria provided, single submitter. Criteria: Invitae Variant Classification Sherloc (09022015). Collection method: clinical testing. Allele origin: germline.
Comment: In summary, the available evidence is currently insufficient to determine the role of this variant in disease. Therefore, it has been classified as a Variant of Uncertain Significance. Algorithms developed to predict the effect of missense changes on protein structure and function are either unavailable or do not agree on the potential impact of this missense change (SIFT: "Tolerated"; PolyPhen-2: "Probably Damaging"; Align-GVGD: "Class C0"). This variant has not been reported in the literature in individuals affected with NF1-related conditions. This variant is not present in population databases (ExAC no frequency). This sequence change replaces leucine with phenylalanine at codon 1064 of the NF1 protein (p.Leu1064Phe). The leucine residue is moderately conserved and there is a small physicochemical difference between leucine and phenylalanine.

NM_001042492.3(NF1):c.3190C>T (p.Leu1064Phe)

Gene: NF1 (neurofibromin 1; plus strand). Cytogenetic location: 17q11.2.
Variant type: single nucleotide variant.
Coding change: c.3190C>T on transcript NM_001042492.3 (MANE Select); coding-DNA position 3190, C replaced by T.
Protein change: p.Leu1064Phe; replaces leucine 1064 with phenylalanine.
Molecular consequence: missense variant.
Genome position (GRCh38, 1-based): chr17:31,230,918, C>T. VCF-style: chr17-31230918-C-T. GRCh37 (hg19) VCF-style: chr17-29557936-C-T.
Other names: c.3190C>T, p.Leu1064Phe (NM_000267.4); short protein forms L1064F.
Identifiers: ClinVar variation 862794 (VCV000862794.6), dbSNP rs2067102829, ClinGen allele CA398988297.